The following is an entry in ClinVar:

ClinVar aggregate classification (germline): Uncertain significance (1 of 4 stars; one submission).

Conditions:
Shprintzen-Goldberg syndrome (SGS). Also called: CRANIOSYNOSTOSIS WITH ARACHNODACTYLY AND ABDOMINAL HERNIAS; Marfanoid disorder with craniosynostosis type 1; Marfanoid craniosynostosis syndrome; Shprintzen-Goldberg marfanoid syndrome; SHPRINTZEN-GOLDBERG CRANIOSYNOSTOSIS SYNDROME. Identifiers: Orphanet 2462, MedGen C1321551, MONDO:0008426, OMIM 182212.

Submission:

Labcorp Genetics (formerly Invitae), Labcorp
Classification: Uncertain significance for Shprintzen-Goldberg syndrome. Last evaluated: 2017-05-01. Review status: criteria provided, single submitter. Criteria: Invitae Variant Classification Sherloc (09022015). Collection method: clinical testing. Allele origin: germline.
Comment: In summary, this variant is a novel missense change that is not predicted to affect protein function. There is no indication that it causes disease, but the available evidence is currently insufficient to prove that conclusively. Therefore, it has been classified as a Variant of Uncertain Significance. Algorithms developed to predict the effect of missense changes on protein structure and function (SIFT, PolyPhen-2, Align-GVGD) all suggest that this variant is likely to be tolerated, but these predictions have not been confirmed by published functional studies. While this variant is not present in population databases (no rsID), the frequency information is unreliable, as metrics indicate poor data quality at this position in the ExAC database. This variant has not been reported in the literature in individuals with a SKI-related disease. This sequence change replaces histidine with glutamine at codon 676 of the SKI protein (p.His676Gln). The histidine residue is moderately conserved and there is a small physicochemical difference between histidine and glutamine.

NM_003036.4(SKI):c.2028C>G (p.His676Gln)

Gene: SKI (SKI proto-oncogene; plus strand). Cytogenetic location: 1p36.32.
Variant type: single nucleotide variant.
Coding change: c.2028C>G on transcript NM_003036.4 (MANE Select); coding-DNA position 2028, C replaced by G.
Protein change: p.His676Gln; replaces histidine 676 with glutamine.
Molecular consequence: missense variant.
Genome position (GRCh38, 1-based): chr1:2,306,606, C>G. VCF-style: chr1-2306606-C-G. GRCh37 (hg19) VCF-style: chr1-2238045-C-G.
Other names: short protein forms H676Q.
Identifiers: ClinVar variation 463404 (VCV000463404.8), dbSNP rs1203179478, ClinGen allele CA337959583.